The following is an entry in ClinVar:

NM_015559.3(SETBP1):c.3233C>T (p.Thr1078Met)

Gene: SETBP1 (SET binding protein 1; plus strand). Cytogenetic location: 18q12.3.
Variant type: single nucleotide variant.
Coding change: c.3233C>T on transcript NM_015559.3 (MANE Select); coding-DNA position 3233, C replaced by T.
Protein change: p.Thr1078Met; replaces threonine 1078 with methionine.
Molecular consequence: missense variant.
Genome position (GRCh38, 1-based): chr18:44,952,573, C>T. VCF-style: chr18-44952573-C-T. GRCh37 (hg19) VCF-style: chr18-42532538-C-T.
Other names: c.3233C>T, p.Thr1078Met (NM_001379141.1, NM_001379142.1); c.3233C>T (NM_015559.2); short protein forms T1078M.
Identifiers: ClinVar variation 1378700 (VCV001378700.9), dbSNP rs375939479, ClinGen allele CA8945869.

ClinVar aggregate classification (germline): Likely benign. Review status: criteria provided, multiple submitters, no conflicts (2 of 4 stars). 4 submissions from 4 submitters: Likely benign (2). 2 of the submissions do not count toward it. Last evaluated 2026-02-02.

Conditions:
SETBP1-related disorder. Also called: SETBP1-related condition; SETBP1-related disorders.
Inborn genetic diseases. Identifiers: MedGen C0950123, MeSH D030342.

Allele frequency attached by ClinVar (database versions not stated): ExAC 0.00004; gnomAD exomes 0.00004 and 0.00007; TOPMed 0.00006; ESP Exome Variant Server 0.00008; gnomAD 0.00008 and 0.00009.
gnomAD v4.1: 75 of 1,613,828 alleles (0.0046%); highest among the groups gnomAD compares: South Asian, 0.019%; no homozygotes.

Submissions (4):

Labcorp Genetics (formerly Invitae), Labcorp
Classification: Likely benign. Last evaluated: 2026-02-02. Review status: criteria provided, single submitter. Criteria: Invitae Variant Classification Sherloc (09022015). Collection method: clinical testing. Allele origin: germline.

Ambry Genetics
Classification: Likely benign for Inborn genetic diseases. Last evaluated: 2024-11-07. Review status: criteria provided, single submitter. Criteria: Ambry Variant Classification Scheme 2023. Collection method: clinical testing. Allele origin: germline.

PreventionGenetics, part of Exact Sciences
Classification: Likely benign for SETBP1-related condition. Last evaluated: 2024-08-10. Review status: no assertion criteria provided. Collection method: clinical testing. Allele origin: germline. Not counted in ClinVar's aggregate classification.
Comment: This variant is classified as likely benign based on ACMG/AMP sequence variant interpretation guidelines (Richards et al. 2015 PMID: 25741868, with internal and published modifications).

Genetics and Genomic Medicine Centre, NeuroGen Healthcare, NeuroGen Healthcare
Classification: Uncertain significance. Last evaluated: 2021-08-04. Review status: no assertion criteria provided. Collection method: clinical testing. Allele origin: unknown. Affected: yes. Not counted in ClinVar's aggregate classification.